The following is an entry in ClinVar:

NM_000170.3(GLDC):c.1765C>T (p.Gln589Ter)

Gene: GLDC (glycine decarboxylase; minus strand). Cytogenetic location: 9p24.1.
Variant type: single nucleotide variant.
Coding change: c.1765C>T on transcript NM_000170.3 (MANE Select); coding-DNA position 1765, C replaced by T.
Protein change: p.Gln589Ter; replaces glutamine 589 with a stop codon.
Molecular consequence: nonsense.
Genome position (GRCh38, 1-based): chr9:6,587,226, G>A on the plus strand (C>T on the coding strand, the complement: GLDC is on the minus strand). VCF-style: chr9-6587226-G-A. GRCh37 (hg19) VCF-style: chr9-6587226-G-A.
Other names: short protein forms Q589*.
Identifiers: ClinVar variation 963940 (VCV000963940.10), dbSNP rs1818289368, ClinGen allele CA372891640.

ClinVar aggregate classification (germline): Pathogenic (1 of 4 stars; one submission).

Conditions:
Glycine encephalopathy. Also called: Nonketotic hyperglycinemia; Non-ketotic hyperglycinemia. Identifiers: Orphanet 407, MedGen C0751748, MONDO:0011612, HP:0008288.

Submission:

Labcorp Genetics (formerly Invitae), Labcorp
Classification: Pathogenic for Glycine encephalopathy. Last evaluated: 2019-07-15. Review status: criteria provided, single submitter. Criteria: Invitae Variant Classification Sherloc (09022015). Collection method: clinical testing. Allele origin: germline.
Comment: For these reasons, this variant has been classified as Pathogenic. Loss-of-function variants in GLDC are known to be pathogenic (PMID: 16601880). This variant has been observed in individual(s) with glycine encephalopathy (PMID: 27362913). In at least one individual the data is consistent with the variant being in trans (on the opposite chromosome) from a pathogenic variant. This variant is not present in population databases (ExAC no frequency). This sequence change creates a premature translational stop signal (p.Gln589*) in the GLDC gene. It is expected to result in an absent or disrupted protein product.

Literature cited by the submitters: PubMed 16601880; PubMed 27362913.